The following is an entry in ClinVar:

ClinVar aggregate classification (germline): Conflicting classifications of pathogenicity. Review status: criteria provided, conflicting classifications (1 of 4 stars). 5 submissions from 5 submitters: Pathogenic (1); Likely pathogenic (1); Likely benign (2). 1 of the submissions does not count toward it. Last evaluated 2024-11-18.

Conditions:
Inborn genetic diseases. Identifiers: MedGen C0950123, MeSH D030342.
Meier-Gorlin syndrome 7. Identifiers: Orphanet 2554, MedGen C4310738, MONDO:0014894, OMIM 617063. Disease mechanism: loss of function.

Allele frequency attached by ClinVar (database versions not stated): gnomAD exomes 0.00014; ExAC 0.00015; 1000 Genomes Project 30x 0.00016; 1000 Genomes Project 0.00020; TOPMed 0.00022.

Submissions (5):

Labcorp Genetics (formerly Invitae), Labcorp
Classification: Pathogenic. Last evaluated: 2024-11-18. Review status: criteria provided, single submitter. Criteria: Invitae Variant Classification Sherloc (09022015). Collection method: clinical testing. Allele origin: germline.
Comment: This sequence change affects codon 504 of the CDC45 mRNA. It is a 'silent' change, meaning that it does not change the encoded amino acid sequence of the CDC45 protein. This variant is present in population databases (rs190155337, gnomAD 0.2%). This variant has been observed in individual(s) with Meier-Gorlin syndrome (PMID: 34000999, 38467731). In at least one individual the data is consistent with being in trans (on the opposite chromosome) from a pathogenic variant. It has also been observed to segregate with disease in related individuals. This variant is also known as p.His472=. ClinVar contains an entry for this variant (Variation ID: 872335). Studies have shown that this variant alters mRNA splicing and is expected to lead to the loss of protein expression (PMID: 38467731). For these reasons, this variant has been classified as Pathogenic.

Ambry Genetics
Classification: Likely benign for Inborn genetic diseases. Last evaluated: 2024-02-05. Review status: criteria provided, single submitter. Criteria: Ambry Variant Classification Scheme 2023. Collection method: clinical testing. Allele origin: germline.

CeGaT Center for Human Genetics Tuebingen
Classification: Likely pathogenic. Last evaluated: 2023-11-01. Review status: criteria provided, single submitter. Criteria: CeGaT Center For Human Genetics Tuebingen Variant Classification Criteria Version 2. Collection method: clinical testing. Allele origin: germline. Affected: yes. Observed: 3 variant alleles.
Comment: CDC45: PM3:Strong, PP1:Moderate, PM2:Supporting, PP4, PS3:Supporting, BP4, BP7

GeneDx
Classification: Likely benign. Last evaluated: 2019-01-31. Review status: criteria provided, single submitter. Criteria: GeneDx Variant Classification Process June 2021. Collection method: clinical testing. Allele origin: germline. Affected: yes.
Comment: See Variant Classification Assertion Criteria.

Undiagnosed Diseases Network, NIH
Classification: Likely pathogenic for Meier-Gorlin syndrome 7. Last evaluated: 2023-03-01. Review status: no assertion criteria provided. Collection method: clinical testing. Allele origin: unknown. Affected: yes. Observed: 1 variant allele, 1 compound heterozygote. Study: Undiagnosed Diseases Network (NIH), UDN. Not counted in ClinVar's aggregate classification.

Literature cited by the submitters: PubMed 34000999 (cited by Labcorp Genetics (formerly Invitae), Labcorp); PubMed 38467731 (cited by Labcorp Genetics (formerly Invitae), Labcorp and Undiagnosed Diseases Network, NIH).

NM_003504.5(CDC45):c.1416C>T (p.His472=)

Gene: CDC45 (cell division cycle 45; plus strand). Cytogenetic location: 22q11.21.
Variant type: single nucleotide variant.
Coding change: c.1416C>T on transcript NM_003504.5 (MANE Select); coding-DNA position 1416, C replaced by T.
Protein change: p.His472=; no amino-acid change (histidine 472 retained).
Molecular consequence: synonymous variant.
Genome position (GRCh38, 1-based): chr22:19,515,024, C>T. VCF-style: chr22-19515024-C-T. GRCh37 (hg19) VCF-style: chr22-19502547-C-T.
Other names: p.His472=; c.1512C>T, p.His504= (NM_001178010.2); c.1278C>T, p.His426= (NM_001178011.2); c.1380C>T, p.His460= (NM_001369291.1); c.1512C>T (NM_001178010.1).
Identifiers: ClinVar variation 872335 (VCV000872335.49), dbSNP rs190155337, ClinGen allele CA10101430.